The following is an entry in ClinVar:

NM_000136.3(FANCC):c.996G>A (p.Gln332=)

Genes: AOPEP (aminopeptidase O (putative); plus strand), FANCC (FA complementation group C; minus strand). Cytogenetic location: 9q22.32.
Variant type: single nucleotide variant.
Coding change: c.996G>A on transcript NM_000136.3 (MANE Select); coding-DNA position 996, G replaced by A.
Protein change: p.Gln332=; no amino-acid change (glutamine 332 retained).
Molecular consequence: synonymous variant.
Genome position (GRCh38, 1-based): chr9:95,125,086, C>T on the plus strand (G>A on the coding strand, the complement: FANCC is on the minus strand). VCF-style: chr9-95125086-C-T. GRCh37 (hg19) VCF-style: chr9-97887368-C-T.
Other names: c.996G>A, p.Gln332= (NM_001243743.2, NM_001243744.2).
Identifiers: ClinVar variation 929811 (VCV000929811.2), dbSNP rs1825770865, ClinGen allele CA466099560.

ClinVar aggregate classification (germline): Likely pathogenic. Review status: criteria provided, single submitter (1 of 4 stars). 2 submissions from 2 submitters: Likely pathogenic (1). 1 of the submissions does not count toward it. Last evaluated 2021-07-15.

Conditions:
Fanconi anemia complementation group C (FANCC). Also called: Fanconi anemia, group C; FANCC-Related Fanconi Anemia; FANCONI PANCYTOPENIA, TYPE 3; FACC. Identifiers: Orphanet 84, MedGen C3468041, MONDO:0009213, OMIM 227645.

Submissions (2):

Fulgent Genetics
Classification: Likely pathogenic for Fanconi anemia complementation group C. Last evaluated: 2021-07-15. Review status: criteria provided, single submitter. Criteria: ACMG Guidelines, 2015. Collection method: clinical testing. Allele origin: unknown.

Leiden Open Variation Database
Classification: Pathogenic for Fanconi anemia complementation group C. Last evaluated: 2020-02-28. Review status: no assertion criteria provided. Collection method: curation. Allele origin: germline. Affected: yes. Not counted in ClinVar's aggregate classification.
Comment: Curator: Arleen D. Auerbach. Submitters to LOVD: Arleen D. Auerbach, Johan de Winter.

Literature cited by the submitters: PubMed 16429406 (cited by Leiden Open Variation Database); PubMed 17924555 (cited by Leiden Open Variation Database).